The following is an entry in ClinVar:

NM_153252.5(BRWD3):c.392C>T (p.Pro131Leu)

Gene: BRWD3 (bromodomain and WD repeat domain containing 3; minus strand). Cytogenetic location: Xq21.1.
Variant type: single nucleotide variant.
Coding change: c.392C>T on transcript NM_153252.5 (MANE Select); coding-DNA position 392, C replaced by T.
Protein change: p.Pro131Leu; replaces proline 131 with leucine.
Molecular consequence: missense variant.
Genome position (GRCh38, 1-based): chrX:80,791,892, G>A on the plus strand (C>T on the coding strand, the complement: BRWD3 is on the minus strand). VCF-style: chrX-80791892-G-A. GRCh37 (hg19) VCF-style: chrX-80047391-G-A.
Other names: short protein forms P131L.
Identifiers: ClinVar variation 2231274 (VCV002231274.3), dbSNP rs1361042711, ClinGen allele CA413612455.

ClinVar aggregate classification (germline): Uncertain significance. Review status: criteria provided, multiple submitters, no conflicts (2 of 4 stars). 2 submissions from 2 submitters: Uncertain significance (2). Last evaluated 2025-10-22.

Conditions:
Inborn genetic diseases. Identifiers: MedGen C0950123, MeSH D030342.

Allele frequency attached by ClinVar (database versions not stated): gnomAD exomes below 0.00001; gnomAD 0.00001; TOPMed 0.00001.
gnomAD v4.1: 3 of 1,206,312 alleles (0.00025%); highest among the groups gnomAD compares: Middle Eastern, 0.023%; no homozygotes.

Submissions (2):

Labcorp Genetics (formerly Invitae), Labcorp
Classification: Uncertain significance. Last evaluated: 2025-10-22. Review status: criteria provided, single submitter. Criteria: Invitae Variant Classification Sherloc (09022015). Collection method: clinical testing. Allele origin: germline.
Comment: This sequence change replaces proline, which is neutral and non-polar, with leucine, which is neutral and non-polar, at codon 131 of the BRWD3 protein (p.Pro131Leu). This variant is not present in population databases (gnomAD no frequency). This variant has not been reported in the literature in individuals affected with BRWD3-related conditions. ClinVar contains an entry for this variant (Variation ID: 2231274). Invitae Evidence Modeling of protein sequence and biophysical properties (such as structural, functional, and spatial information, amino acid conservation, physicochemical variation, residue mobility, and thermodynamic stability) indicates that this missense variant is not expected to disrupt BRWD3 protein function with a negative predictive value of 80%. In summary, the available evidence is currently insufficient to determine the role of this variant in disease. Therefore, it has been classified as a Variant of Uncertain Significance.

Ambry Genetics
Classification: Uncertain significance for Inborn genetic diseases. Last evaluated: 2021-08-30. Review status: criteria provided, single submitter. Criteria: Ambry Variant Classification Scheme 2023. Collection method: clinical testing. Allele origin: germline.